The following is an entry in ClinVar:

ClinVar aggregate classification (germline): Uncertain significance (1 of 4 stars; one submission).

Conditions:
Progressive sclerosing poliodystrophy (MTDPS4A). Also called: Mitochondrial DNA depletion syndrome 4A (Alpers type); Mitochondrial DNA Depletion Syndrome 4A; Alpers Syndrome; ALPERS DIFFUSE DEGENERATION OF CEREBRAL GRAY MATTER WITH HEPATIC CIRRHOSIS; Alpers-Huttenlocher Syndrome; ALPERS PROGRESSIVE INFANTILE POLIODYSTROPHY. Identifiers: Orphanet 726, MedGen C0205710, MONDO:0008758, OMIM 203700.

gnomAD v4.1: 1 of 1,614,126 alleles (0.000062%); highest among the groups gnomAD compares: Non-Finnish European, 0.000085%; no homozygotes.

Submission:

Labcorp Genetics (formerly Invitae), Labcorp
Classification: Uncertain significance for Progressive sclerosing poliodystrophy. Last evaluated: 2022-02-04. Review status: criteria provided, single submitter. Criteria: Invitae Variant Classification Sherloc (09022015). Collection method: clinical testing. Allele origin: germline.
Comment: This sequence change replaces glutamic acid, which is acidic and polar, with lysine, which is basic and polar, at codon 1143 of the POLG protein (p.Glu1143Lys). This variant is not present in population databases (gnomAD no frequency). This variant has not been reported in the literature in individuals affected with POLG-related conditions. ClinVar contains an entry for this variant (Variation ID: 578511). Algorithms developed to predict the effect of missense changes on protein structure and function are either unavailable or do not agree on the potential impact of this missense change (SIFT: "Deleterious"; PolyPhen-2: "Benign"; Align-GVGD: "Class C0"). In summary, the available evidence is currently insufficient to determine the role of this variant in disease. Therefore, it has been classified as a Variant of Uncertain Significance.

NM_002693.3(POLG):c.3427G>A (p.Glu1143Lys)

Gene: POLG (DNA polymerase gamma, catalytic subunit; minus strand). Cytogenetic location: 15q26.1.
Variant type: single nucleotide variant.
Coding change: c.3427G>A on transcript NM_002693.3 (MANE Select); coding-DNA position 3427, G replaced by A.
Protein change: p.Glu1143Lys; replaces glutamic acid 1143 with lysine.
Molecular consequence: missense variant.
Genome position (GRCh38, 1-based): chr15:89,318,596, C>T on the plus strand (G>A on the coding strand, the complement: POLG is on the minus strand). VCF-style: chr15-89318596-C-T. GRCh37 (hg19) VCF-style: chr15-89861827-C-T.
Other names: c.3427G>A, p.Glu1143Lys (NM_001126131.2); short protein forms E1143K.
Identifiers: ClinVar variation 578511 (VCV000578511.6), dbSNP rs765123635, ClinGen allele CA393749756.